The following is an entry in ClinVar:

NM_001042424.3(NSD2):c.4026C>G (p.Pro1342=)

Gene: NSD2 (nuclear receptor binding SET domain protein 2; plus strand). Cytogenetic location: 4p16.3.
Variant type: single nucleotide variant.
Coding change: c.4026C>G on transcript NM_001042424.3 (MANE Select); coding-DNA position 4026, C replaced by G.
Protein change: p.Pro1342=; no amino-acid change (proline 1342 retained).
Molecular consequence: synonymous variant.
Genome position (GRCh38, 1-based): chr4:1,978,837, C>G. VCF-style: chr4-1978837-C-G. GRCh37 (hg19) VCF-style: chr4-1980564-C-G.
Other names: c.4026C>G, p.Pro1342= (NM_133330.3, NM_133331.3, NM_133335.4); c.4026C>G (NM_001042424.2).
Identifiers: ClinVar variation 348450 (VCV000348450.12), dbSNP rs147624398, ClinGen allele CA2812949.
Genomic context (GRCh38, chr4:1,978,837, plus strand): 5'-CTGCTGTGAGCATGACTTAGGGGCGGCATCGGTCAGAAGCACCAAGACTGAGAAGCCCCC[C>G]CCAGAGCCAGGGAAGCCGAAGGGGAAGAGGCGGCGGCGGAGGGGCTGGCGGAGAGTCACA-3'
Protein context (NP_001035889.1, residues 1332-1352): SVRSTKTEKP[Pro1342=]PEPGKPKGKR

ClinVar aggregate classification (germline): Likely benign. Review status: criteria provided, single submitter (1 of 4 stars). 2 submissions from 2 submitters: Likely benign (1). 1 of the submissions does not count toward it. Last evaluated 2025-04-21.

Conditions:
NSD2-related disorder. Also called: NSD2-related condition; NSD2 related disorders.

Allele frequency attached by ClinVar (database versions not stated): gnomAD 0.00016; TOPMed 0.00022; 1000 Genomes Project 30x 0.00047; 1000 Genomes Project 0.00060.
gnomAD v4.1: 391 of 1,603,668 alleles (0.024%); highest among the groups gnomAD compares: Admixed American, 0.089%; 4 homozygotes.

Submissions (2):

Labcorp Genetics (formerly Invitae), Labcorp
Classification: Likely benign. Last evaluated: 2025-04-21. Review status: criteria provided, single submitter. Criteria: Invitae Variant Classification Sherloc (09022015). Collection method: clinical testing. Allele origin: germline.

PreventionGenetics, part of Exact Sciences
Classification: Likely benign for NSD2-related condition. Last evaluated: 2019-10-28. Review status: no assertion criteria provided. Collection method: clinical testing. Allele origin: germline. Not counted in ClinVar's aggregate classification.
Comment: This variant is classified as likely benign based on ACMG/AMP sequence variant interpretation guidelines (Richards et al. 2015 PMID: 25741868, with internal and published modifications).